The following is an entry in ClinVar:

ClinVar aggregate classification (germline): Uncertain significance (1 of 4 stars; one submission).

Submission:

Women's Health and Genetics/Laboratory Corporation of America, LabCorp
Classification: Uncertain significance. Last evaluated: 2025-09-10. Review status: criteria provided, single submitter. Criteria: LabCorp Variant Classification Summary - May 2015. Collection method: clinical testing. Allele origin: germline.
Comment: Variant summary: CHD5 c.4375A>G (p.Lys1459Glu) results in a conservative amino acid change in the encoded protein sequence. Algorithms developed to predict the effect of missense changes on protein structure and function are either unavailable or do not agree on the potential impact of this missense change. The variant was absent in 248854 control chromosomes. The available data on variant occurrences in the general population are insufficient to allow any conclusion about variant significance. To our knowledge, no occurrence of c.4375A>G in individuals affected with CHD5-related conditions and no experimental evidence demonstrating its impact on protein function have been reported. No submitters have cited clinical-significance assessments for this variant to ClinVar. Based on the evidence outlined above, the variant was classified as uncertain significance.

NM_015557.3(CHD5):c.4375A>G (p.Lys1459Glu)

Gene: CHD5 (chromodomain helicase DNA binding protein 5; minus strand). Cytogenetic location: 1p36.31.
Variant type: single nucleotide variant.
Coding change: c.4375A>G on transcript NM_015557.3 (MANE Select); coding-DNA position 4375, A replaced by G.
Protein change: p.Lys1459Glu; replaces lysine 1459 with glutamic acid.
Molecular consequence: missense variant.
Genome position (GRCh38, 1-based): chr1:6,125,119, T>C on the plus strand (A>G on the coding strand, the complement: CHD5 is on the minus strand). VCF-style: chr1-6125119-T-C. GRCh37 (hg19) VCF-style: chr1-6185179-T-C.
Other names: short protein forms K1459E.
Identifiers: ClinVar variation 4535605 (VCV004535605.1).